The following is an entry in ClinVar:

ClinVar aggregate classification (germline): Uncertain significance (1 of 4 stars; one submission).

Conditions:
Arginine:glycine amidinotransferase deficiency (CCDS3). Also called: L-Arginine:Glycine Amidinotransferase (AGAT) Deficiency; Cerebral creatine deficiency syndrome 3; AGAT deficiency; L-Arginine:Glycine Amidinotransferase Deficiency; Creatine deficiency syndrome due to AGAT deficiency; GATM deficiency. Identifiers: Orphanet 35704, MedGen C2675179, MONDO:0012996, OMIM 612718.

Allele frequency attached by ClinVar (database versions not stated): gnomAD exomes below 0.00001; ExAC 0.00001.
gnomAD v4.1: 1 of 1,613,976 alleles (0.000062%); highest among the groups gnomAD compares: East Asian, 0.0022%; no homozygotes.

Submission:

Labcorp Genetics (formerly Invitae), Labcorp
Classification: Uncertain significance for Arginine:glycine amidinotransferase deficiency. Last evaluated: 2022-09-07. Review status: criteria provided, single submitter. Criteria: Invitae Variant Classification Sherloc (09022015). Collection method: clinical testing. Allele origin: germline.
Comment: In summary, the available evidence is currently insufficient to determine the role of this variant in disease. Therefore, it has been classified as a Variant of Uncertain Significance. Algorithms developed to predict the effect of sequence changes on RNA splicing suggest that this variant may create or strengthen a splice site. Algorithms developed to predict the effect of missense changes on protein structure and function are either unavailable or do not agree on the potential impact of this missense change (SIFT: "Deleterious"; PolyPhen-2: "Benign"; Align-GVGD: "Class C0"). ClinVar contains an entry for this variant (Variation ID: 1385563). This variant has not been reported in the literature in individuals affected with GATM-related conditions. This variant is present in population databases (rs773473195, gnomAD 0.006%). This sequence change replaces glycine, which is neutral and non-polar, with valine, which is neutral and non-polar, at codon 30 of the GATM protein (p.Gly30Val).

NM_001482.3(GATM):c.89G>T (p.Gly30Val)

Gene: GATM (glycine amidinotransferase; minus strand). Cytogenetic location: 15q21.1.
Variant type: single nucleotide variant.
Coding change: c.89G>T on transcript NM_001482.3 (MANE Select); coding-DNA position 89, G replaced by T.
Protein change: p.Gly30Val; replaces glycine 30 with valine.
Molecular consequence: missense variant. On other transcripts: 5 prime UTR variant (1).
Genome position (GRCh38, 1-based): chr15:45,376,800, C>A on the plus strand (G>T on the coding strand, the complement: GATM is on the minus strand). VCF-style: chr15-45376800-C-A. GRCh37 (hg19) VCF-style: chr15-45668998-C-A.
Other names: c.-299G>T (NM_001321015.2); short protein forms G30V.
Identifiers: ClinVar variation 1385563 (VCV001385563.6), dbSNP rs773473195, ClinGen allele CA7542997.